The following is an entry in ClinVar:

NM_012210.4(TRIM32):c.422C>A (p.Ala141Glu)

Genes: ASTN2 (astrotactin 2; minus strand), TRIM32 (tripartite motif containing 32; plus strand). Cytogenetic location: 9q33.1.
Variant type: single nucleotide variant.
Coding change: c.422C>A on transcript NM_012210.4 (MANE Select); coding-DNA position 422, C replaced by A.
Protein change: p.Ala141Glu; replaces alanine 141 with glutamic acid.
Molecular consequence: missense variant. On other transcripts: intron variant (3).
Genome position (GRCh38, 1-based): chr9:116,698,164, C>A. VCF-style: chr9-116698164-C-A. GRCh37 (hg19) VCF-style: chr9-119460443-C-A.
Other names: c.2794+27607G>T (NM_001365069.1); c.2806+27607G>T (NM_001365068.1); c.422C>A, p.Ala141Glu (NM_001099679.2, NM_001379048.1, NM_001379049.1 and 1 more transcripts); c.2653+27607G>T (NM_014010.5); short protein forms A141E.
Identifiers: ClinVar variation 1010555 (VCV001010555.6), dbSNP rs930137730, ClinGen allele CA198769497.

ClinVar aggregate classification (germline): Uncertain significance. Review status: criteria provided, multiple submitters, no conflicts (2 of 4 stars). 2 submissions from 2 submitters: Uncertain significance (2). Last evaluated 2024-05-29.

Conditions:
Bardet-Biedl syndrome 11 (BBS11). Identifiers: Orphanet 110, MedGen C1859569, MONDO:0014439, OMIM 615988.
Sarcotubular myopathy (LGMDR8). Also called: Autosomal recessive limb-girdle muscular dystrophy type 2H; MUSCULAR DYSTROPHY, LIMB-GIRDLE, AUTOSOMAL RECESSIVE 8; Hutterite type of muscular dystrophy; Limb-girdle muscular dystrophy, type 2H. Identifiers: Orphanet 1878, MedGen C0270968, MONDO:0009683, OMIM 254110.
Bardet-Biedl syndrome (BBS). Identifiers: Orphanet 110, MedGen C0752166, MONDO:0015229.

Allele frequency attached by ClinVar (database versions not stated): TOPMed 0.00003; gnomAD exomes below 0.00001.
gnomAD v4.1: 9 of 1,614,152 alleles (0.00056%); highest among the groups gnomAD compares: East Asian, 0.0045%; no homozygotes.

Submissions (2):

Fulgent Genetics
Classification: Uncertain significance for Sarcotubular myopathy; Bardet-Biedl syndrome 11. Last evaluated: 2024-05-29. Review status: criteria provided, single submitter. Criteria: ACMG Guidelines, 2015. Collection method: clinical testing. Allele origin: germline.

Labcorp Genetics (formerly Invitae), Labcorp
Classification: Uncertain significance for Bardet-Biedl syndrome. Last evaluated: 2022-06-13. Review status: criteria provided, single submitter. Criteria: Invitae Variant Classification Sherloc (09022015). Collection method: clinical testing. Allele origin: germline.
Comment: This sequence change replaces alanine, which is neutral and non-polar, with glutamic acid, which is acidic and polar, at codon 141 of the TRIM32 protein (p.Ala141Glu). This variant is not present in population databases (gnomAD no frequency). This variant has not been reported in the literature in individuals affected with TRIM32-related conditions. ClinVar contains an entry for this variant (Variation ID: 1010555). Algorithms developed to predict the effect of missense changes on protein structure and function (SIFT, PolyPhen-2, Align-GVGD) all suggest that this variant is likely to be disruptive. In summary, the available evidence is currently insufficient to determine the role of this variant in disease. Therefore, it has been classified as a Variant of Uncertain Significance.